The following is an entry in ClinVar:

NM_002485.5(NBN):c.1000A>G (p.Lys334Glu)

Gene: NBN (nibrin; minus strand). Cytogenetic location: 8q21.3.
Variant type: single nucleotide variant.
Coding change: c.1000A>G on transcript NM_002485.5 (MANE Select); coding-DNA position 1000, A replaced by G.
Protein change: p.Lys334Glu; replaces lysine 334 with glutamic acid.
Molecular consequence: missense variant.
Genome position (GRCh38, 1-based): chr8:89,958,849, T>C on the plus strand (A>G on the coding strand, the complement: NBN is on the minus strand). VCF-style: chr8-89958849-T-C. GRCh37 (hg19) VCF-style: chr8-90971077-T-C.
Other names: c.754A>G, p.Lys252Glu (NM_001024688.3); short protein forms K252E, K334E.
Identifiers: ClinVar variation 1307316 (VCV001307316.2), dbSNP rs2129747101, ClinGen allele CA371656813.

ClinVar aggregate classification (germline): Uncertain significance (1 of 4 stars; one submission).

Submission:

GeneDx
Classification: Uncertain significance. Last evaluated: 2019-07-22. Review status: criteria provided, single submitter. Criteria: GeneDx Variant Classification Process June 2021. Collection method: clinical testing. Allele origin: germline. Affected: yes.
Comment: Not observed in large population cohorts (Lek 2016); In silico analysis, which includes protein predictors and evolutionary conservation, supports that this variant does not alter protein structure/function; Has not been previously published as pathogenic or benign to our knowledge